The following is an entry in ClinVar:

NM_001243133.2(NLRP3):c.-561T>G

Gene: NLRP3 (NLR family pyrin domain containing 3; plus strand). Cytogenetic location: 1q44.
Variant type: single nucleotide variant.
Coding change: c.-561T>G on transcript NM_001243133.2 (MANE Select); 561 bases upstream of the start codon, T replaced by G.
Molecular consequence: 5 prime UTR variant.
Genome position (GRCh38, 1-based): chr1:247,418,240, T>G. VCF-style: chr1-247418240-T-G. GRCh37 (hg19) VCF-style: chr1-247581542-T-G.
Other names: c.-95T>G (NM_001079821.3); c.-561T>G (NM_001127461.3, NM_001127462.3, NM_183395.3); c.-555T>G (NM_004895.5).
Identifiers: ClinVar variation 296926 (VCV000296926.6), dbSNP rs72771992, ClinGen allele CA10610847.

ClinVar aggregate classification (germline): Benign. Review status: criteria provided, multiple submitters, no conflicts (2 of 4 stars). 4 submissions from 2 submitters: Benign (4). Last evaluated 2018-01-13.

Conditions:
Familial amyloid nephropathy with urticaria AND deafness (MWS). Also called: UDA SYNDROME; URTICARIA-DEAFNESS-AMYLOIDOSIS SYNDROME; MUCKLE-WELLS SYNDROME; Urticaria, deafness and amyloidosis; CRYOPYRIN-ASSOCIATED PERIODIC SYNDROME 2. Identifiers: Orphanet 575, MedGen C0268390, MONDO:0008633, OMIM 191900.
Familial cold autoinflammatory syndrome 1 (FCAS1). Also called: CRYOPYRIN-ASSOCIATED PERIODIC SYNDROME 1; Familial cold inflammatory syndrome 1. Identifiers: Orphanet 47045, MedGen C4551895, MONDO:0007349, OMIM 120100.
Chronic infantile neurological, cutaneous and articular syndrome (CINCA). Also called: CHRONIC NEUROLOGIC CUTANEOUS AND ARTICULAR SYNDROME; CINCA syndrome; Prieur Griscelli syndrome; CRYOPYRIN-ASSOCIATED PERIODIC SYNDROME 3. Identifiers: Orphanet 1451, MedGen C0409818, MONDO:0011776, OMIM 607115.

Allele frequency attached by ClinVar (database versions not stated): gnomAD exomes 0.07841; 1000 Genomes Project 0.08466; 1000 Genomes Project 30x 0.08666; gnomAD 0.10195 and 0.10410; TOPMed 0.10989.
gnomAD v4.1: 16,316 of 162,406 alleles (10%); highest among the groups gnomAD compares: Admixed American, 16%; 933 homozygotes.

Submissions (4):

Illumina Laboratory Services, Illumina
Classification: Benign for Chronic infantile neurological, cutaneous and articular syndrome. Last evaluated: 2018-01-13. Review status: criteria provided, single submitter. Criteria: ICSL Variant Classification Criteria 13 December 2019. Collection method: clinical testing. Allele origin: germline.
Comment: This variant was observed in the ICSL laboratory as part of a predisposition screen in an ostensibly healthy population. It had not been previously curated by ICSL or reported in the Human Gene Mutation Database (HGMD: prior to June 1st, 2018), and was therefore a candidate for classification through an automated scoring system. Utilizing variant allele frequency, disease prevalence and penetrance estimates, and inheritance mode, an automated score was calculated to assess if this variant is too frequent to cause the disease. Based on the score and internal cut-off values, a variant classified as benign is not then subjected to further curation. The score for this variant resulted in a classification of benign for this disease.

Illumina Laboratory Services, Illumina
Classification: Benign for Familial amyloid nephropathy with urticaria AND deafness. Last evaluated: 2018-01-13. Review status: criteria provided, single submitter. Criteria: ICSL Variant Classification Criteria 13 December 2019. Collection method: clinical testing. Allele origin: germline.
Comment: the same text as in the submission from Illumina Laboratory Services, Illumina above.

Illumina Laboratory Services, Illumina
Classification: Benign for Familial cold autoinflammatory syndrome 1. Last evaluated: 2018-01-13. Review status: criteria provided, single submitter. Criteria: ICSL Variant Classification Criteria 13 December 2019. Collection method: clinical testing. Allele origin: germline.
Comment: the same text as in the submission from Illumina Laboratory Services, Illumina above.

Breakthrough Genomics
Classification: Benign. Review status: criteria provided, single submitter. Criteria: ACMG Guidelines, 2015. Collection method: not provided. Allele origin: germline. Inheritance: Autosomal dominant inheritance. Affected: yes.